The following is an entry in ClinVar:

ClinVar aggregate classification (germline): Uncertain significance (1 of 4 stars; one submission).

Conditions:
Emery-Dreifuss muscular dystrophy 5, autosomal dominant (EDMD5). Also called: EMERY-DREIFUSS MUSCULAR DYSTROPHY 5. Identifiers: Orphanet 261, MedGen C2751805, MONDO:0013072, OMIM 612999.

Submission:

Labcorp Genetics (formerly Invitae), Labcorp
Classification: Uncertain significance for Emery-Dreifuss muscular dystrophy 5, autosomal dominant. Last evaluated: 2025-12-31. Review status: criteria provided, single submitter. Criteria: Invitae Variant Classification Sherloc (09022015). Collection method: clinical testing. Allele origin: germline.
Comment: This sequence change creates a premature translational stop signal (p.Ser1694*) in the SYNE2 gene. It is expected to result in an absent or disrupted protein product. However, the current clinical and genetic evidence is not sufficient to establish whether loss-of-function variants in SYNE2 cause disease. This variant is not present in population databases (gnomAD no frequency). This variant has not been reported in the literature in individuals affected with SYNE2-related conditions. Algorithms developed to predict the effect of sequence changes on RNA splicing suggest that this variant may disrupt the consensus splice site. In summary, the available evidence is currently insufficient to determine the role of this variant in disease. Therefore, it has been classified as a Variant of Uncertain Significance.

NM_182914.3(SYNE2):c.5081C>A (p.Ser1694Ter)

Gene: SYNE2 (spectrin repeat containing nuclear envelope protein 2; plus strand). Cytogenetic location: 14q23.2.
Variant type: single nucleotide variant.
Coding change: c.5081C>A on transcript NM_182914.3 (MANE Select); coding-DNA position 5081, C replaced by A.
Protein change: p.Ser1694Ter; replaces serine 1694 with a stop codon.
Molecular consequence: nonsense.
Genome position (GRCh38, 1-based): chr14:64,020,023, C>A. VCF-style: chr14-64020023-C-A. GRCh37 (hg19) VCF-style: chr14-64486741-C-A.
Other names: c.5081C>A, p.Ser1694Ter (NM_015180.6); short protein forms S1694*.
Identifiers: ClinVar variation 4753440 (VCV004753440.1).